The following is an entry in ClinVar:

ClinVar aggregate classification (germline): Likely benign. Review status: criteria provided, single submitter (1 of 4 stars). 2 submissions from 2 submitters: Likely benign (1). 1 of the submissions does not count toward it. Last evaluated 2025-07-02.

Conditions:
BLM-related disorder. Also called: BLM-related condition.
Bloom syndrome (BLM). Also called: Bloom-Torre-Machacek syndrome. Identifiers: Orphanet 125, MedGen C0005859, MONDO:0008876, OMIM 210900.

Allele frequency attached by ClinVar (database versions not stated): gnomAD exomes below 0.00001.
gnomAD v4.1: 5 of 1,614,088 alleles (0.00031%); highest among the groups gnomAD compares: Non-Finnish European, 0.00042%; no homozygotes.

Submissions (2):

Labcorp Genetics (formerly Invitae), Labcorp
Classification: Likely benign for Bloom syndrome. Last evaluated: 2025-07-02. Review status: criteria provided, single submitter. Criteria: Invitae Variant Classification Sherloc (09022015). Collection method: clinical testing. Allele origin: germline.

PreventionGenetics, part of Exact Sciences
Classification: Likely benign for BLM-related condition. Last evaluated: 2024-04-14. Review status: no assertion criteria provided. Collection method: clinical testing. Allele origin: germline. Not counted in ClinVar's aggregate classification.
Comment: This variant is classified as likely benign based on ACMG/AMP sequence variant interpretation guidelines (Richards et al. 2015 PMID: 25741868, with internal and published modifications).

NM_000057.4(BLM):c.2994G>A (p.Val998=)

Gene: BLM (BLM RecQ like helicase; plus strand). Cytogenetic location: 15q26.1.
Variant type: single nucleotide variant.
Coding change: c.2994G>A on transcript NM_000057.4 (MANE Select); coding-DNA position 2994, G replaced by A.
Protein change: p.Val998=; no amino-acid change (valine 998 retained).
Molecular consequence: synonymous variant.
Genome position (GRCh38, 1-based): chr15:90,790,819, G>A. VCF-style: chr15-90790819-G-A. GRCh37 (hg19) VCF-style: chr15-91334049-G-A.
Other names: c.2994G>A, p.Val998= (NM_001287246.2, NM_001287247.2); c.1869G>A, p.Val623= (NM_001287248.2).
Identifiers: ClinVar variation 706635 (VCV000706635.12), dbSNP rs1596257300, ClinGen allele CA492164314.